The following is an entry in ClinVar:

NM_033068.3(ACP4):c.1165+2T>G

Gene: ACP4 (acid phosphatase 4; plus strand). Cytogenetic location: 19q13.33.
Variant type: single nucleotide variant.
Coding change: c.1165+2T>G on transcript NM_033068.3 (MANE Select); the canonical splice donor site of the intron after coding-DNA position 1165, T replaced by G.
Molecular consequence: splice donor variant.
Genome position (GRCh38, 1-based): chr19:50,794,966, T>G. VCF-style: chr19-50794966-T-G. GRCh37 (hg19) VCF-style: chr19-51298223-T-G.
Identifiers: ClinVar variation 3046958 (VCV003046958.2), dbSNP rs537290653, ClinGen allele CA9603314.

ClinVar aggregate classification (germline): Likely benign (0 of 4 stars; one submission).

Conditions:
ACP4-related disorder. Also called: ACP4-related condition.

Allele frequency attached by ClinVar (database versions not stated): 1000 Genomes Project 0.00020; 1000 Genomes Project 30x 0.00031.

Submission:

PreventionGenetics, part of Exact Sciences
Classification: Likely benign for ACP4-related condition. Last evaluated: 2020-03-26. Review status: no assertion criteria provided. Collection method: clinical testing. Allele origin: germline.
Comment: This variant is classified as likely benign based on ACMG/AMP sequence variant interpretation guidelines (Richards et al. 2015 PMID: 25741868, with internal and published modifications).